The following is an entry in ClinVar:

NM_001039213.4(CEACAM16):c.134C>T (p.Ser45Leu)

Genes: CEACAM16-AS1 (CEACAM16, CEACAM19 and PVR antisense RNA 1; minus strand), CEACAM16 (CEA cell adhesion molecule 16, tectorial membrane component; plus strand). Cytogenetic location: 19q13.32.
Variant type: single nucleotide variant.
Coding change: c.134C>T on transcript NM_001039213.4 (MANE Select); coding-DNA position 134, C replaced by T.
Protein change: p.Ser45Leu; replaces serine 45 with leucine.
Molecular consequence: missense variant.
Genome position (GRCh38, 1-based): chr19:44,703,445, C>T. VCF-style: chr19-44703445-C-T. GRCh37 (hg19) VCF-style: chr19-45206715-C-T.
Other names: c.134C>T (NM_001039213.3); short protein forms S45L.
Identifiers: ClinVar variation 1445558 (VCV001445558.13), dbSNP rs201593262, ClinGen allele CA9502964.

ClinVar aggregate classification (germline): Uncertain significance. Review status: criteria provided, multiple submitters, no conflicts (2 of 4 stars). 3 submissions from 3 submitters: Uncertain significance (3). Last evaluated 2025-06-04.

Allele frequency attached by ClinVar (database versions not stated): ExAC 0.00004; TOPMed 0.00018; gnomAD 0.00024 and 0.00026; ESP Exome Variant Server 0.00032.
gnomAD v4.1: 68 of 1,613,716 alleles (0.0042%); highest among the groups gnomAD compares: African/African-American, 0.077%; no homozygotes.

Submissions (3):

Labcorp Genetics (formerly Invitae), Labcorp
Classification: Uncertain significance. Last evaluated: 2025-06-04. Review status: criteria provided, single submitter. Criteria: Invitae Variant Classification Sherloc (09022015). Collection method: clinical testing. Allele origin: germline.
Comment: This sequence change replaces serine, which is neutral and polar, with leucine, which is neutral and non-polar, at codon 45 of the CEACAM16 protein (p.Ser45Leu). This variant is present in population databases (rs201593262, gnomAD 0.08%). This variant has not been reported in the literature in individuals affected with CEACAM16-related conditions. ClinVar contains an entry for this variant (Variation ID: 1445558). Invitae Evidence Modeling of protein sequence and biophysical properties (such as structural, functional, and spatial information, amino acid conservation, physicochemical variation, residue mobility, and thermodynamic stability) indicates that this missense variant is not expected to disrupt CEACAM16 protein function with a negative predictive value of 80%. In summary, the available evidence is currently insufficient to determine the role of this variant in disease. Therefore, it has been classified as a Variant of Uncertain Significance.

Blueprint Genetics
Classification: Uncertain significance. Last evaluated: 2024-05-28. Review status: criteria provided, single submitter. Criteria: ACMG Guidelines, 2015. Collection method: clinical testing. Allele origin: germline.

GeneDx
Classification: Uncertain significance. Last evaluated: 2023-04-14. Review status: criteria provided, single submitter. Criteria: GeneDx Variant Classification Process June 2021. Collection method: clinical testing. Allele origin: germline. Affected: yes.
Comment: In silico analysis supports that this missense variant has a deleterious effect on protein structure/function; Has not been previously published as pathogenic or benign to our knowledge